The following is an entry in ClinVar:

ClinVar aggregate classification (germline): Uncertain significance (1 of 4 stars; one submission).

Conditions:
Arrhythmogenic right ventricular dysplasia 5. Also called: Arrhythmogenic Right Ventricular Dysplasia/Cardiomyopathy 5; ARRHYTHMOGENIC RIGHT VENTRICULAR DYSPLASIA, FAMILIAL, 5. Identifiers: MedGen C1858379, MONDO:0011459, OMIM 604400.

Submission:

Labcorp Genetics (formerly Invitae), Labcorp
Classification: Uncertain significance for Arrhythmogenic right ventricular dysplasia 5. Last evaluated: 2023-01-01. Review status: criteria provided, single submitter. Criteria: Invitae Variant Classification Sherloc (09022015). Collection method: clinical testing. Allele origin: germline.
Comment: In summary, the available evidence is currently insufficient to determine the role of this variant in disease. Therefore, it has been classified as a Variant of Uncertain Significance. Variants that disrupt the consensus splice site are a relatively common cause of aberrant splicing (PMID: 17576681, 9536098). Algorithms developed to predict the effect of sequence changes on RNA splicing suggest that this variant may disrupt the consensus splice site. This variant has not been reported in the literature in individuals affected with TMEM43-related conditions. This variant is not present in population databases (gnomAD no frequency). This sequence change falls in intron 8 of the TMEM43 gene. It does not directly change the encoded amino acid sequence of the TMEM43 protein. It affects a nucleotide within the consensus splice site.

Literature cited by the submitters: PubMed 17576681; PubMed 9536098.

NM_024334.3(TMEM43):c.706-3C>A

Gene: TMEM43 (transmembrane protein 43; plus strand). Cytogenetic location: 3p25.1.
Variant type: single nucleotide variant.
Coding change: c.706-3C>A on transcript NM_024334.3 (MANE Select); 3 bases into the intron before coding-DNA position 706, C replaced by A.
Molecular consequence: intron variant.
Genome position (GRCh38, 1-based): chr3:14,135,155, C>A. VCF-style: chr3-14135155-C-A. GRCh37 (hg19) VCF-style: chr3-14176655-C-A.
Other names: c.709-3C>A (NM_001407274.1); c.706-3C>A (NM_001407276.1, NM_001407275.1, NM_001407277.1); c.705+264C>A (NM_001407279.1); c.691-3C>A (NM_001407278.1); c.556-3C>A (NM_001407280.1).
Identifiers: ClinVar variation 2906112 (VCV002906112.3), dbSNP rs1212663056, ClinGen allele CA2739278972.